The following is an entry in ClinVar:

ClinVar aggregate classification (germline): Uncertain significance (1 of 4 stars; one submission).

gnomAD v4.1: 1 of 1,613,918 alleles (0.000062%); highest among the groups gnomAD compares: Non-Finnish European, 0.000085%; no homozygotes.

Submission:

Labcorp Genetics (formerly Invitae), Labcorp
Classification: Uncertain significance. Last evaluated: 2022-09-28. Review status: criteria provided, single submitter. Criteria: Invitae Variant Classification Sherloc (09022015). Collection method: clinical testing. Allele origin: germline.
Comment: In summary, the available evidence is currently insufficient to determine the role of this variant in disease. Therefore, it has been classified as a Variant of Uncertain Significance. Algorithms developed to predict the effect of missense changes on protein structure and function are either unavailable or do not agree on the potential impact of this missense change (SIFT: "Deleterious"; PolyPhen-2: "Probably Damaging"; Align-GVGD: "Class C15"). This variant has not been reported in the literature in individuals affected with LETM1-related conditions. This variant is present in population databases (no rsID available, gnomAD 0.003%). This sequence change replaces aspartic acid, which is acidic and polar, with tyrosine, which is neutral and polar, at codon 425 of the LETM1 protein (p.Asp425Tyr).

NM_012318.3(LETM1):c.1273G>T (p.Asp425Tyr)

Gene: LETM1 (leucine zipper and EF-hand containing transmembrane protein 1; minus strand). Cytogenetic location: 4p16.3.
Variant type: single nucleotide variant.
Coding change: c.1273G>T on transcript NM_012318.3 (MANE Select); coding-DNA position 1273, G replaced by T.
Protein change: p.Asp425Tyr; replaces aspartic acid 425 with tyrosine.
Molecular consequence: missense variant.
Genome position (GRCh38, 1-based): chr4:1,823,703, C>A on the plus strand (G>T on the coding strand, the complement: LETM1 is on the minus strand). VCF-style: chr4-1823703-C-A. GRCh37 (hg19) VCF-style: chr4-1825430-C-A.
Other names: short protein forms D425Y.
Identifiers: ClinVar variation 1996633 (VCV001996633.4), dbSNP rs1441842565, ClinGen allele CA355999120.